The following is an entry in ClinVar:

ClinVar aggregate classification (germline): Likely pathogenic (1 of 4 stars; one submission).

Submission:

GeneDx
Classification: Likely pathogenic. Last evaluated: 2024-01-02. Review status: criteria provided, single submitter. Criteria: GeneDx Variant Classification Process June 2021. Collection method: clinical testing. Allele origin: germline. Affected: yes.
Comment: Nonsense variant predicted to result in protein truncation or nonsense mediated decay in a gene for which loss of function is a known mechanism of disease; Not observed at significant frequency in large population cohorts (gnomAD); Has not been previously published as pathogenic or benign in association with SUZ12-related neurodevelopmental disorder with multiple anomalies to our knowledge; This variant is associated with the following publications: (PMID: 36645289)

NM_015355.4(SUZ12):c.1159C>T (p.Gln387Ter)

Gene: SUZ12 (SUZ12 polycomb repressive complex 2 subunit; plus strand). Cytogenetic location: 17q11.2.
Variant type: single nucleotide variant.
Coding change: c.1159C>T on transcript NM_015355.4 (MANE Select); coding-DNA position 1159, C replaced by T.
Protein change: p.Gln387Ter; replaces glutamine 387 with a stop codon.
Molecular consequence: nonsense.
Genome position (GRCh38, 1-based): chr17:31,988,455, C>T. VCF-style: chr17-31988455-C-T. GRCh37 (hg19) VCF-style: chr17-30315474-C-T.
Other names: c.1090C>T, p.Gln364Ter (NM_001321207.2); short protein forms Q364*, Q387*.
Identifiers: ClinVar variation 1308523 (VCV001308523.3), dbSNP rs990621046, ClinGen allele CA399029268.